The following is an entry in ClinVar:

ClinVar aggregate classification (germline): Uncertain significance (1 of 4 stars; one submission).

Conditions:
Cardiovascular phenotype. Identifiers: MedGen CN230736.

Allele frequency attached by ClinVar (database versions not stated): gnomAD exomes below 0.00001; TOPMed below 0.00001.
gnomAD v4.1: 2 of 1,614,058 alleles (0.00012%); highest among the groups gnomAD compares: Middle Eastern, 0.016%; no homozygotes.

Submission:

Ambry Genetics
Classification: Uncertain significance for Cardiovascular phenotype. Last evaluated: 2023-05-13. Review status: criteria provided, single submitter. Criteria: Ambry Variant Classification Scheme 2023. Collection method: clinical testing. Allele origin: germline.
Comment: The p.I840V variant (also known as c.2518A>G), located in coding exon 10 of the MYPN gene, results from an A to G substitution at nucleotide position 2518. The isoleucine at codon 840 is replaced by valine, an amino acid with highly similar properties. This amino acid position is conserved. In addition, this alteration is predicted to be tolerated by in silico analysis. Since supporting evidence is limited at this time, the clinical significance of this alteration remains unclear.

NM_032578.4(MYPN):c.2518A>G (p.Ile840Val)

Gene: MYPN (myopalladin; plus strand). Cytogenetic location: 10q21.3.
Variant type: single nucleotide variant.
Coding change: c.2518A>G on transcript NM_032578.4 (MANE Select); coding-DNA position 2518, A replaced by G.
Protein change: p.Ile840Val; replaces isoleucine 840 with valine.
Molecular consequence: missense variant. On other transcripts: non-coding transcript variant (2).
Genome position (GRCh38, 1-based): chr10:68,174,610, A>G. VCF-style: chr10-68174610-A-G. GRCh37 (hg19) VCF-style: chr10-69934367-A-G.
Other names: c.2518A>G, p.Ile840Val (NM_001256267.2); c.1636A>G, p.Ile546Val (NM_001256268.2); short protein forms I840V, I546V.
Identifiers: ClinVar variation 2563978 (VCV002563978.2), dbSNP rs1199469776, ClinGen allele CA376848049.